The following is an entry in ClinVar:

NM_182931.3(KMT2E):c.1685A>T (p.Glu562Val)

Gene: KMT2E (lysine methyltransferase 2E (inactive); plus strand). Cytogenetic location: 7q22.3.
Variant type: single nucleotide variant.
Coding change: c.1685A>T on transcript NM_182931.3 (MANE Select); coding-DNA position 1685, A replaced by T.
Protein change: p.Glu562Val; replaces glutamic acid 562 with valine.
Molecular consequence: missense variant.
Genome position (GRCh38, 1-based): chr7:105,091,277, A>T. VCF-style: chr7-105091277-A-T. GRCh37 (hg19) VCF-style: chr7-104731724-A-T.
Other names: c.1685A>T, p.Glu562Val (NM_001410908.1, NM_018682.4); short protein forms E562V.
Identifiers: ClinVar variation 2015320 (VCV002015320.4), dbSNP rs2536465431, ClinGen allele CA368783064.

ClinVar aggregate classification (germline): Uncertain significance (1 of 4 stars; one submission).

Submission:

Labcorp Genetics (formerly Invitae), Labcorp
Classification: Uncertain significance. Last evaluated: 2022-07-28. Review status: criteria provided, single submitter. Criteria: Invitae Variant Classification Sherloc (09022015). Collection method: clinical testing. Allele origin: germline.
Comment: In summary, the available evidence is currently insufficient to determine the role of this variant in disease. Therefore, it has been classified as a Variant of Uncertain Significance. This variant is not present in population databases (gnomAD no frequency). This variant has not been reported in the literature in individuals affected with KMT2E-related conditions. Algorithms developed to predict the effect of missense changes on protein structure and function are either unavailable or do not agree on the potential impact of this missense change (SIFT: "Deleterious"; PolyPhen-2: "Benign"; Align-GVGD: "Class C0"). This sequence change replaces glutamic acid, which is acidic and polar, with valine, which is neutral and non-polar, at codon 562 of the KMT2E protein (p.Glu562Val).